The following is an entry in ClinVar:

ClinVar aggregate classification (germline): Uncertain significance (1 of 4 stars; one submission).

Allele frequency attached by ClinVar (database versions not stated): gnomAD exomes below 0.00001; TOPMed below 0.00001; gnomAD 0.00001.
gnomAD v4.1: 7 of 1,613,140 alleles (0.00043%); highest among the groups gnomAD compares: Admixed American, 0.0033%; no homozygotes.

Submission:

Labcorp Genetics (formerly Invitae), Labcorp
Classification: Uncertain significance. Last evaluated: 2023-10-24. Review status: criteria provided, single submitter. Criteria: Invitae Variant Classification Sherloc (09022015). Collection method: clinical testing. Allele origin: germline.
Comment: This sequence change replaces proline, which is neutral and non-polar, with threonine, which is neutral and polar, at codon 1864 of the MTOR protein (p.Pro1864Thr). This variant is present in population databases (no rsID available, gnomAD no frequency). This variant has not been reported in the literature in individuals affected with MTOR-related conditions. Advanced modeling of protein sequence and biophysical properties (such as structural, functional, and spatial information, amino acid conservation, physicochemical variation, residue mobility, and thermodynamic stability) performed at Invitae indicates that this missense variant is not expected to disrupt MTOR protein function with a negative predictive value of 95%. In summary, the available evidence is currently insufficient to determine the role of this variant in disease. Therefore, it has been classified as a Variant of Uncertain Significance.

NM_004958.4(MTOR):c.5590C>A (p.Pro1864Thr)

Gene: MTOR (mechanistic target of rapamycin kinase; minus strand). Cytogenetic location: 1p36.22.
Variant type: single nucleotide variant.
Coding change: c.5590C>A on transcript NM_004958.4 (MANE Select); coding-DNA position 5590, C replaced by A.
Protein change: p.Pro1864Thr; replaces proline 1864 with threonine.
Molecular consequence: missense variant.
Genome position (GRCh38, 1-based): chr1:11,130,552, G>T on the plus strand (C>A on the coding strand, the complement: MTOR is on the minus strand). VCF-style: chr1-11130552-G-T. GRCh37 (hg19) VCF-style: chr1-11190609-G-T.
Other names: c.5590C>A, p.Pro1864Thr (NM_001386500.1); c.4342C>A, p.Pro1448Thr (NM_001386501.1); short protein forms P1864T, P1448T.
Identifiers: ClinVar variation 2712468 (VCV002712468.3), dbSNP rs1470936555, ClinGen allele CA338398132.